The following is an entry in ClinVar:

ClinVar aggregate classification (germline): Uncertain significance (1 of 4 stars; one submission).

Allele frequency attached by ClinVar (database versions not stated): TOPMed below 0.00001.

Submission:

Labcorp Genetics (formerly Invitae), Labcorp
Classification: Uncertain significance. Last evaluated: 2021-02-02. Review status: criteria provided, single submitter. Criteria: Invitae Variant Classification Sherloc (09022015). Collection method: clinical testing. Allele origin: germline.
Comment: This variant is not present in population databases (ExAC no frequency). This sequence change replaces arginine with serine at codon 93 of the SNIP1 protein (p.Arg93Ser). The arginine residue is moderately conserved and there is a moderate physicochemical difference between arginine and serine. This variant has not been reported in the literature in individuals with SNIP1-related conditions. Algorithms developed to predict the effect of missense changes on protein structure and function are either unavailable or do not agree on the potential impact of this missense change (SIFT: "Tolerated"; PolyPhen-2: "Possibly Damaging"; Align-GVGD: "Class C0"). In summary, the available evidence is currently insufficient to determine the role of this variant in disease. Therefore, it has been classified as a Variant of Uncertain Significance.

NM_024700.4(SNIP1):c.277C>A (p.Arg93Ser)

Gene: SNIP1 (Smad nuclear interacting protein 1; minus strand). Cytogenetic location: 1p34.3.
Variant type: single nucleotide variant.
Coding change: c.277C>A on transcript NM_024700.4 (MANE Select); coding-DNA position 277, C replaced by A.
Protein change: p.Arg93Ser; replaces arginine 93 with serine.
Molecular consequence: missense variant.
Genome position (GRCh38, 1-based): chr1:37,552,695, G>T on the plus strand (C>A on the coding strand, the complement: SNIP1 is on the minus strand). VCF-style: chr1-37552695-G-T. GRCh37 (hg19) VCF-style: chr1-38018296-G-T.
Other names: short protein forms R93S.
Identifiers: ClinVar variation 1491193 (VCV001491193.8), dbSNP rs760283604, ClinGen allele CA20794348.
Genomic context (GRCh38, chr1:37,552,695, plus strand): 5'-ATCCACTTACCTGCTTCACTTTGACTGTTGAGTGGTGAGGACTTCGGTTTCTCTTACTGC[G>T]AGGAGACTTGCTTCTTCTCCCTGAGGCCTTGTTTTTCTTTTTGGGTGGGGACCTATTCAG-3'
Protein context (NP_078976.2, residues 83-103): KASGRRSKSP[Arg93Ser]SKRNRSPHHS